The following is an entry in ClinVar:

NM_016222.4(DDX41):c.5A>T (p.Glu2Val)

Gene: DDX41 (DEAD-box helicase 41; minus strand). Cytogenetic location: 5q35.3.
Variant type: single nucleotide variant.
Coding change: c.5A>T on transcript NM_016222.4 (MANE Select); coding-DNA position 5, A replaced by T.
Protein change: p.Glu2Val; replaces glutamic acid 2 with valine.
Molecular consequence: missense variant. On other transcripts: 5 prime UTR variant (2).
Genome position (GRCh38, 1-based): chr5:177,516,941, T>A on the plus strand (A>T on the coding strand, the complement: DDX41 is on the minus strand). VCF-style: chr5-177516941-T-A. GRCh37 (hg19) VCF-style: chr5-176943942-T-A.
Other names: c.-651A>T (NM_001321732.2); c.-443A>T (NM_001321830.2); short protein forms E2V.
Identifiers: ClinVar variation 4617127 (VCV004617127.1).

ClinVar aggregate classification (germline): Uncertain significance (1 of 4 stars; one submission).

Conditions:
Inborn genetic diseases. Identifiers: MedGen C0950123, MeSH D030342.

Submission:

Ambry Genetics
Classification: Uncertain significance for Inborn genetic diseases. Last evaluated: 2025-09-22. Review status: criteria provided, single submitter. Criteria: Ambry Variant Classification Scheme 2023. Collection method: clinical testing. Allele origin: germline.
Comment: The p.E2V variant (also known as c.5A>T), located in coding exon 1 of the DDX41 gene, results from an A to T substitution at nucleotide position 5. The glutamic acid at codon 2 is replaced by valine, an amino acid with dissimilar properties. This amino acid position is conserved. In addition, this alteration is predicted to be tolerated by in silico analysis. Based on the available evidence, the clinical significance of this variant remains unclear.